The following is an entry in ClinVar:

ClinVar aggregate classification (germline): Benign/Likely benign. Review status: criteria provided, multiple submitters, no conflicts (2 of 4 stars). 3 submissions from 3 submitters: Benign (1); Likely benign (2). Last evaluated 2024-06-24.

Conditions:
Polycystic liver disease 1 (PCLD1). Also called: Polycystic liver disease 1 with or without kidney cysts. Identifiers: Orphanet 2924, MedGen C0887850, MONDO:0008265, OMIM 174050.

Allele frequency attached by ClinVar (database versions not stated): gnomAD 0.00001 and 0.00008; TOPMed 0.00002; gnomAD exomes 0.00036; ExAC 0.00048; 1000 Genomes Project 30x 0.00141; 1000 Genomes Project 0.00160.

Submissions (3):

Labcorp Genetics (formerly Invitae), Labcorp
Classification: Likely benign. Last evaluated: 2024-06-24. Review status: criteria provided, single submitter. Criteria: Invitae Variant Classification Sherloc (09022015). Collection method: clinical testing. Allele origin: germline.

Fulgent Genetics
Classification: Likely benign for Polycystic liver disease 1. Last evaluated: 2021-08-17. Review status: criteria provided, single submitter. Criteria: ACMG Guidelines, 2015. Collection method: clinical testing. Allele origin: unknown.

Illumina Laboratory Services, Illumina
Classification: Benign for Polycystic liver disease 1. Last evaluated: 2018-01-13. Review status: criteria provided, single submitter. Criteria: ICSL Variant Classification Criteria 13 December 2019. Collection method: clinical testing. Allele origin: germline.
Comment: This variant was observed in the ICSL laboratory as part of a predisposition screen in an ostensibly healthy population. It had not been previously curated by ICSL or reported in the Human Gene Mutation Database (HGMD: prior to June 1st, 2018), and was therefore a candidate for classification through an automated scoring system. Utilizing variant allele frequency, disease prevalence and penetrance estimates, and inheritance mode, an automated score was calculated to assess if this variant is too frequent to cause the disease. Based on the score and internal cut-off values, a variant classified as benign is not then subjected to further curation. The score for this variant resulted in a classification of benign for this disease.

NM_001289104.2(PRKCSH):c.37T>C (p.Trp13Arg)

Genes: PRKCSH (PRKCSH beta subunit of glucosidase II; plus strand), LOC130063575 (ATAC-STARR-seq lymphoblastoid active region 14018; plus strand). Cytogenetic location: 19p13.2.
Variant type: single nucleotide variant.
Coding change: c.37T>C on transcript NM_001289104.2 (MANE Select); coding-DNA position 37, T replaced by C.
Protein change: p.Trp13Arg; replaces tryptophan 13 with arginine.
Molecular consequence: missense variant.
Genome position (GRCh38, 1-based): chr19:11,436,154, T>C. VCF-style: chr19-11436154-T-C. GRCh37 (hg19) VCF-style: chr19-11546975-T-C.
Other names: c.37T>C, p.Trp13Arg (NM_001001329.3, NM_001289102.2, NM_001289103.2 and 3 more transcripts); short protein forms W13R.
Identifiers: ClinVar variation 890781 (VCV000890781.8), dbSNP rs570440031, ClinGen allele CA9212638.